The following is an entry in ClinVar:

ClinVar aggregate classification (germline): Benign (3 of 4 stars; one submission).

Conditions:
Breast-ovarian cancer, familial, susceptibility to, 2 (BROVCA2). Also called: BRCA2 Hereditary Breast and Ovarian Cancer. Identifiers: Orphanet 145, MedGen C2675520, MONDO:0012933, OMIM 612555. Disease mechanism: loss of function.

Allele frequency attached by ClinVar (database versions not stated): gnomAD 0.00358 and 0.00388; 1000 Genomes Project 0.00359; 1000 Genomes Project 30x 0.00390; TOPMed 0.00391.
gnomAD v4.1: 536 of 152,346 alleles (0.35%); highest among the groups gnomAD compares: African/African-American, 1.3%; 2 homozygotes.

Submission:

Evidence-based Network for the Interpretation of Germline Mutant Alleles (ENIGMA)
Classification: Benign for Breast-ovarian cancer, familial, susceptibility to, 2. Last evaluated: 2016-09-28. Review status: reviewed by expert panel. Criteria: ENIGMA BRCA1/2 Classification Criteria (2015). Collection method: curation. Allele origin: germline.
Comment: Class 1 not pathogenic based on frequency >1% in an outbred sampleset. Frequency 0.0129 (African), derived from 1000 genomes (2013-05-02).

NM_000059.4(BRCA2):c.632-679A>G

Gene: BRCA2 (BRCA2 DNA repair associated; plus strand). Cytogenetic location: 13q13.1.
Variant type: single nucleotide variant.
Coding change: c.632-679A>G on transcript NM_000059.4 (MANE Select); 679 bases into the intron before coding-DNA position 632, A replaced by G.
Molecular consequence: intron variant.
Genome position (GRCh38, 1-based): chr13:32,328,764, A>G. VCF-style: chr13-32328764-A-G. GRCh37 (hg19) VCF-style: chr13-32902901-A-G.
Identifiers: ClinVar variation 264966 (VCV000264966.1), dbSNP rs186147531, ClinGen allele CA10588083.